The following is an entry in ClinVar:

NM_001267550.2(TTN):c.84281_84285del (p.Lys28094fs)

Genes: TTN-AS1 (TTN antisense RNA 1; plus strand), TTN (titin; minus strand). Cytogenetic location: 2q31.2.
Variant type: Deletion.
Coding change: c.84281_84285del on transcript NM_001267550.2 (MANE Select); coding-DNA positions 84281 to 84285, 5 bases deleted (AGAAA; older notation c.84281_84285delAGAAA).
Protein change: p.Lys28094fs; shifts the reading frame from lysine 28094.
Molecular consequence: frameshift variant.
Genome position (GRCh38, 1-based): chr2:178,561,847-178,561,851, TTTCT deleted on the plus strand (AGAAA on the coding strand, the reverse complement: TTN is on the minus strand); deleting any 5 consecutive bases within chr2:178,561,847-178,561,855 gives the same sequence; the c. name uses the placement nearest the transcript's 3' end. VCF-style (leftmost placement, unchanged base first): chr2-178561846-CTTTCT-C. GRCh37 (hg19) VCF-style: chr2-179426573-CTTTCT-C.
Other names: c.79358_79362del, p.Lys26453fs (NM_001256850.1); c.57086_57090del, p.Lys19029fs (NM_003319.4); c.76577_76581del, p.Lys25526fs (NM_133378.4); c.57461_57465del, p.Lys19154fs (NM_133432.3); c.57662_57666del, p.Lys19221fs (NM_133437.4); short protein forms K19029fs, K19154fs, K19221fs, K25526fs, K26453fs, K28094fs.
Identifiers: ClinVar variation 3256667 (VCV003256667.1).
Genomic context (GRCh38, chr2:178,561,846, plus strand): 5'-TTTTAATGGATGTTCTTGCAACTGCTTGTGAAACTATGTGCCATGTTGTAGAGGTGGTTT[CTTTCT>C]TTTCAACAATGTAATTGCTAATTTGGCAGCCACCATCATATTCTGGAGGATTCCAAGAAA-3'

ClinVar aggregate classification (germline): Likely pathogenic (1 of 4 stars; one submission).

Conditions:
Dilated cardiomyopathy 1G (CMD1G). Identifiers: Orphanet 154, MedGen C1858763, MONDO:0011400, OMIM 604145.

Submission:

MVZ Medizinische Genetik Mainz
Classification: Likely pathogenic for Dilated cardiomyopathy 1G. Last evaluated: 2024-03-22. Review status: criteria provided, single submitter. Criteria: UK Practice Guidelines For Variant Classification V4 01 2020. Collection method: clinical testing. Allele origin: germline. Inheritance: Autosomal dominant inheritance. Affected: yes. Observed: 1 variant allele.
Comment: ACMG Criteria: PVS1,PM2_SUP